The following is an entry in ClinVar:

NM_014140.4(SMARCAL1):c.786dup (p.Lys263Ter)

Gene: SMARCAL1 (SNF2 related chromatin remodeling annealing helicase 1; plus strand). Cytogenetic location: 2q35.
Variant type: Duplication.
Coding change: c.786dup on transcript NM_014140.4 (MANE Select); coding-DNA position 786, one base duplicated (T; older notation c.786dupT).
Protein change: p.Lys263Ter; replaces lysine 263 with a stop codon.
Molecular consequence: nonsense.
Genome position (GRCh38, 1-based): chr2:216,415,490, T duplicated; the last of 3 consecutive T bases (chr2:216,415,488-216,415,490); duplicating any one gives the same sequence. VCF-style (leftmost placement, unchanged base first): chr2-216415487-G-GT. GRCh37 (hg19) VCF-style: chr2-217280210-G-GT.
Other names: c.786dup, p.Lys263Ter (NM_001127207.2); short protein forms K263*.
Identifiers: ClinVar variation 857239 (VCV000857239.7), dbSNP rs1693577284, ClinGen allele CA916080304.

ClinVar aggregate classification (germline): Pathogenic (1 of 4 stars; one submission).

Conditions:
Schimke immuno-osseous dysplasia (SIOD). Also called: Schimke Immunoosseous Dysplasia. Identifiers: Orphanet 1830, MedGen C0877024, MONDO:0009458, OMIM 242900.

Submission:

Labcorp Genetics (formerly Invitae), Labcorp
Classification: Pathogenic for Schimke immuno-osseous dysplasia. Last evaluated: 2019-12-03. Review status: criteria provided, single submitter. Criteria: Invitae Variant Classification Sherloc (09022015). Collection method: clinical testing. Allele origin: germline.
Comment: This sequence change creates a premature translational stop signal (p.Lys263*) in the SMARCAL1 gene. It is expected to result in an absent or disrupted protein product. This variant is not present in population databases (ExAC no frequency). This variant has not been reported in the literature in individuals with SMARCAL1-related conditions. Loss-of-function variants in SMARCAL1 are known to be pathogenic (PMID: 11799392, 20301550). For these reasons, this variant has been classified as Pathogenic.

Literature cited by the submitters: PubMed 11799392; PubMed 20301550.